The following is an entry in ClinVar:

ClinVar aggregate classification (germline): Conflicting classifications of pathogenicity. Review status: criteria provided, conflicting classifications (1 of 4 stars). 5 submissions from 5 submitters: Likely pathogenic (1); Uncertain significance (4). Last evaluated 2025-04-10.

Conditions:
DDX41-related disorder. Also called: DDX41-related condition.
Inborn genetic diseases. Identifiers: MedGen C0950123, MeSH D030342.

Allele frequency attached by ClinVar (database versions not stated): gnomAD exomes below 0.00001 and 0.00002; ExAC 0.00001; gnomAD 0.00002; TOPMed 0.00002.
gnomAD v4.1: 9 of 1,612,318 alleles (0.00056%); highest among the groups gnomAD compares: Admixed American, 0.0067%; no homozygotes.

Submissions (5):

GeneDx
Classification: Likely pathogenic. Last evaluated: 2025-04-10. Review status: criteria provided, single submitter. Criteria: GeneDx Variant Classification Process June 2021. Collection method: clinical testing. Allele origin: germline.
Comment: Observed in the germline of individuals with DDX41-related hematologic disease or malignancy, as well as healthy controls in a case-control study (PMID: 36322930); Not observed at significant frequency in large population cohorts (gnomAD); In silico analysis supports that this missense variant has a deleterious effect on protein structure/function; This variant is associated with the following publications: (PMID: 37506341, 28637623, 36322930, 27721487)

Ambry Genetics
Classification: Uncertain significance for Inborn genetic diseases. Last evaluated: 2025-02-20. Review status: criteria provided, single submitter. Criteria: Ambry Variant Classification Scheme 2023. Collection method: clinical testing. Allele origin: germline.
Comment: The p.E256K variant (also known as c.766G>A), located in coding exon 8 of the DDX41 gene, results from a G to A substitution at nucleotide position 766. The glutamic acid at codon 256 is replaced by lysine, an amino acid with similar properties. This variant was reported in individual(s) with hematologic malignancy; however germline status was not definitively confirmed (Makishima H et al. Blood, 2023 Feb;141:534-549; Badar T et al. Haematologica, 2023 Nov;108:3033-3043). This amino acid position is highly conserved in available vertebrate species. In addition, the in silico prediction for this alteration is inconclusive. Based on the available evidence, the clinical significance of this variant remains unclear.

PreventionGenetics, part of Exact Sciences
Classification: Uncertain significance for DDX41-related condition. Last evaluated: 2025-02-06. Review status: criteria provided, single submitter. Criteria: ACMG Guidelines, 2015. Collection method: clinical testing. Allele origin: germline.
Comment: The DDX41 c.766G>A variant is predicted to result in the amino acid substitution p.Glu256Lys. This variant has been reported in both the somatic and germline context, alone or co-occurring with a second variant in DDX41 or another gene, in individuals with variable risk myelodysplastic syndrome and acute myeloid leukemia and has been associated with an increased risk of developing myeloid neoplasms, particularly in males (Makishima et al. 2023. PubMed ID: 36322930). However, this variant has also been reported in controls (Cheloor Kovilakam et al. 2023. PubMed ID: 37506341). This variant is reported in 0.0058% of alleles in individuals of Latino descent in gnomAD and has conflicting interpretations regarding its pathogenicity in ClinVar, ranging from uncertain significance to likely pathogenic. At this time, the clinical significance of this variant is uncertain due to the absence of conclusive functional and genetic evidence.

Labcorp Genetics (formerly Invitae), Labcorp
Classification: Uncertain significance. Last evaluated: 2024-11-17. Review status: criteria provided, single submitter. Criteria: Invitae Variant Classification Sherloc (09022015). Collection method: clinical testing. Allele origin: germline.
Comment: This sequence change replaces glutamic acid, which is acidic and polar, with lysine, which is basic and polar, at codon 256 of the DDX41 protein (p.Glu256Lys). This variant is present in population databases (rs746011550, gnomAD 0.006%). This missense change has been observed in individual(s) with myelodysplastic syndrome and/or myeloid neoplasm (PMID: 36322930, 37199125). ClinVar contains an entry for this variant (Variation ID: 1338053). An algorithm developed to predict the effect of missense changes on protein structure and function (PolyPhen-2) suggests that this variant is likely to be disruptive. In summary, the available evidence is currently insufficient to determine the role of this variant in disease. Therefore, it has been classified as a Variant of Uncertain Significance.

Genetic Services Laboratory, University of Chicago
Classification: Uncertain significance. Last evaluated: 2021-09-01. Review status: criteria provided, single submitter. Criteria: ACMG Guidelines, 2015. Collection method: clinical testing. Allele origin: germline. Affected: no.
Comment: This sequence change has been previously described in at least one individual with myeloid neoplasms but no additional information was provided (PMID: 28637623). This sequence change has been described in the gnomAD database with a low population frequency of 0.0016% (dbSNP rs746011550). The p.Glu256Lys change affects a highly conserved amino acid residue located in a domain of the DDX41 protein that is known to be functional. The p.Glu256Lys substitution appears to be deleterious using several in-silico pathogenicity prediction tools (SIFT, PolyPhen2, Align GVGD). Due to insufficient evidences and the lack of functional studies, the clinical significance of the p.Glu256Lys change remains unknown at this time.

Literature cited by the submitters: PubMed 36322930 (cited by Ambry Genetics and Labcorp Genetics (formerly Invitae), Labcorp); PubMed 37199125 (cited by Ambry Genetics and Labcorp Genetics (formerly Invitae), Labcorp).

NM_016222.4(DDX41):c.766G>A (p.Glu256Lys)

Gene: DDX41 (DEAD-box helicase 41; minus strand). Cytogenetic location: 5q35.3.
Variant type: single nucleotide variant.
Coding change: c.766G>A on transcript NM_016222.4 (MANE Select); coding-DNA position 766, G replaced by A.
Protein change: p.Glu256Lys; replaces glutamic acid 256 with lysine.
Molecular consequence: missense variant.
Genome position (GRCh38, 1-based): chr5:177,514,948, C>T on the plus strand (G>A on the coding strand, the complement: DDX41 is on the minus strand). VCF-style: chr5-177514948-C-T. GRCh37 (hg19) VCF-style: chr5-176941949-C-T.
Other names: c.766G>A (NM_016222.2); c.388G>A, p.Glu130Lys (NM_001321732.2, NM_001321830.2); short protein forms E130K, E256K.
Identifiers: ClinVar variation 1338053 (VCV001338053.11), dbSNP rs746011550, ClinGen allele CA3585030.
Genomic context (GRCh38, chr5:177,514,948, plus strand): 5'-GCCTGCCCTCCAGGCCAGCCTATCTTACCGAGGGGCAGATGATGAGTCCATAGGGCCCCT[C>T]GCGCTTTGAGAAGGGTAACCTCTTCTCTTGTTCCAGGCAGAACATGATGACGGGCAACGT-3'
Protein context (NP_057306.2, residues 246-266): QEKRLPFSKR[Glu256Lys]GPYGLIICPS